The following is an entry in ClinVar:

ClinVar aggregate classification (germline): Uncertain significance (1 of 4 stars; one submission).

Conditions:
Familial sleep-related hypermotor epilepsy. Also called: Autosomal Dominant Sleep-Related Hypermotor (Hyperkinetic) Epilepsy. Identifiers: Orphanet 98784, MedGen C3696898, MONDO:0000030.

Submission:

Labcorp Genetics (formerly Invitae), Labcorp
Classification: Uncertain significance. Last evaluated: 2024-12-15. Review status: criteria provided, single submitter. Criteria: Invitae Variant Classification Sherloc (09022015). Collection method: clinical testing. Allele origin: germline.
Comment: This sequence change creates a premature translational stop signal (p.Trp51*) in the CHRNA4 gene. It is expected to result in an absent or disrupted protein product. However, the current clinical and genetic evidence is not sufficient to establish whether loss-of-function variants in CHRNA4 cause disease. This variant is not present in population databases (gnomAD no frequency). This variant has not been reported in the literature in individuals affected with CHRNA4-related conditions. ClinVar contains an entry for this variant (Variation ID: 2095468). In summary, the available evidence is currently insufficient to determine the role of this variant in disease. Therefore, it has been classified as a Variant of Uncertain Significance.

NM_000744.7(CHRNA4):c.152G>A (p.Trp51Ter)

Gene: CHRNA4 (cholinergic receptor nicotinic alpha 4 subunit; minus strand). Cytogenetic location: 20q13.33.
Variant type: single nucleotide variant.
Coding change: c.152G>A on transcript NM_000744.7 (MANE Select); coding-DNA position 152, G replaced by A.
Protein change: p.Trp51Ter; replaces tryptophan 51 with a stop codon.
Molecular consequence: nonsense. On other transcripts: 5 prime UTR variant (1), non-coding transcript variant (1).
Genome position (GRCh38, 1-based): chr20:63,359,624, C>T on the plus strand (G>A on the coding strand, the complement: CHRNA4 is on the minus strand). VCF-style: chr20-63359624-C-T. GRCh37 (hg19) VCF-style: chr20-61990976-C-T.
Other names: c.-395G>A (NM_001256573.2); short protein forms W51*.
Identifiers: ClinVar variation 2095468 (VCV002095468.4), dbSNP rs2516573282, ClinGen allele CA409643590.